The following is an entry in ClinVar:

ClinVar aggregate classification (germline): Uncertain significance (1 of 4 stars; one submission).

Conditions:
Cornelia de Lange syndrome 1 (CDLS1). Also called: TYPUS DEGENERATIVUS AMSTELODAMENSIS; Brachmann de Lange syndrome; NIPBL-Related Cornelia de Lange Syndrome. Identifiers: Orphanet 199, MedGen C4551851, MONDO:0007387, OMIM 122470.

Submission:

Labcorp Genetics (formerly Invitae), Labcorp
Classification: Uncertain significance for Cornelia de Lange syndrome 1. Last evaluated: 2023-09-21. Review status: criteria provided, single submitter. Criteria: Invitae Variant Classification Sherloc (09022015). Collection method: clinical testing. Allele origin: germline.
Comment: This variant has not been reported in the literature in individuals affected with NIPBL-related conditions. In summary, the available evidence is currently insufficient to determine the role of this variant in disease. Therefore, it has been classified as a Variant of Uncertain Significance. Advanced modeling of protein sequence and biophysical properties (such as structural, functional, and spatial information, amino acid conservation, physicochemical variation, residue mobility, and thermodynamic stability) performed at Invitae indicates that this missense variant is expected to disrupt NIPBL protein function. This variant is not present in population databases (gnomAD no frequency). This sequence change replaces aspartic acid, which is acidic and polar, with glycine, which is neutral and non-polar, at codon 2764 of the NIPBL protein (p.Asp2764Gly).

NM_133433.4(NIPBL):c.8291A>G (p.Asp2764Gly)

Gene: NIPBL (NIPBL cohesin loading factor; plus strand). Cytogenetic location: 5p13.2.
Variant type: single nucleotide variant.
Coding change: c.8291A>G on transcript NM_133433.4 (MANE Select); coding-DNA position 8291, A replaced by G.
Protein change: p.Asp2764Gly; replaces aspartic acid 2764 with glycine.
Molecular consequence: missense variant. On other transcripts: 3 prime UTR variant (1).
Genome position (GRCh38, 1-based): chr5:37,064,768, A>G. VCF-style: chr5-37064768-A-G. GRCh37 (hg19) VCF-style: chr5-37064870-A-G.
Other names: c.*745A>G (NM_015384.5); short protein forms D2764G.
Identifiers: ClinVar variation 2893881 (VCV002893881.3), dbSNP rs2478771086, ClinGen allele CA359522972.